The following is an entry in ClinVar:

ClinVar aggregate classification (germline): Conflicting classifications of pathogenicity. Review status: criteria provided, conflicting classifications (1 of 4 stars). 7 submissions from 7 submitters: Uncertain significance (1); Likely benign (6). Last evaluated 2025-12-13.

Conditions:
Ataxia-telangiectasia syndrome (AT). Also called: Ataxia-telangiectasia; AT, COMPLEMENTATION GROUP C; LOUIS-BAR SYNDROME; Ataxia telangiectasia (A-T); Cerebello-oculocutaneous telangiectasia; Immunodeficiency with ataxia telangiectasia. Identifiers: Orphanet 100, MedGen C0004135, MONDO:0008840, OMIM 208900.
Familial cancer of breast. Also called: BREAST CANCER, FAMILIAL; hereditary breast carcinoma; Hereditary breast cancer. Identifiers: Orphanet 227535, MedGen C0346153, MONDO:0016419, OMIM 114480. Disease mechanism: loss of function.
Hereditary cancer-predisposing syndrome. Also called: Tumor predisposition; Hereditary Cancer Syndrome; Neoplastic Syndromes, Hereditary; Hereditary neoplastic syndrome. Identifiers: Orphanet 140162, MedGen C0027672, MeSH D009386, MONDO:0015356.

Allele frequency attached by ClinVar (database versions not stated): TOPMed below 0.00001; gnomAD 0.00001; gnomAD exomes 0.00001 and 0.00003; ExAC 0.00003; 1000 Genomes Project 30x 0.00016; 1000 Genomes Project 0.00020.
gnomAD v4.1: 20 of 1,606,226 alleles (0.0012%); highest among the groups gnomAD compares: South Asian, 0.018%; no homozygotes.

Submissions (7):

Labcorp Genetics (formerly Invitae), Labcorp
Classification: Likely benign for Ataxia-telangiectasia syndrome. Last evaluated: 2025-12-13. Review status: criteria provided, single submitter. Criteria: Invitae Variant Classification Sherloc (09022015). Collection method: clinical testing. Allele origin: germline.

Women's Health and Genetics/Laboratory Corporation of America, LabCorp
Classification: Likely benign. Last evaluated: 2025-04-16. Review status: criteria provided, single submitter. Criteria: LabCorp Variant Classification Summary - May 2015. Collection method: clinical testing. Allele origin: germline.
Comment: Variant summary: ATM c.5005+7T>C alters a non-conserved nucleotide located at a position not widely known to affect splicing. Consensus agreement among computation tools predict no significant impact on normal splicing. However, these predictions have yet to be confirmed by functional studies. The variant allele was found at a frequency of 3.2e-05 in 250460 control chromosomes. The available data on variant occurrences in the general population are insufficient to allow any conclusion about variant significance. To our knowledge, no occurrence of c.5005+7T>C in individuals affected with Breast Cancer and no experimental evidence demonstrating its impact on protein function have been reported. The following publication has been ascertained in the context of this evaluation (PMID: 28652578). ClinVar contains an entry for this variant (Variation ID: 756121). Based on the evidence outlined above, the variant was classified as likely benign.

Quest Diagnostics Nichols Institute San Juan Capistrano
Classification: Uncertain significance. Last evaluated: 2024-12-06. Review status: criteria provided, single submitter. Criteria: Quest Diagnostics criteria. Collection method: clinical testing. Allele origin: unknown.

Department of Pathology and Laboratory Medicine, Sinai Health System
Classification: Likely benign for Familial cancer of breast; Ataxia-telangiectasia syndrome. Last evaluated: 2024-07-16. Review status: criteria provided, single submitter. Criteria: ACMG Guidelines, 2015. Collection method: clinical testing. Allele origin: germline.

Myriad Genetics, Inc.
Classification: Likely benign for Familial cancer of breast. Last evaluated: 2024-05-21. Review status: criteria provided, single submitter. Criteria: Myriad Autosomal Dominant, Autosomal Recessive and X-Linked Classification Criteria (2023). Collection method: clinical testing. Allele origin: unknown.
Comment: This variant is considered likely benign. This variant is intronic and is not expected to impact mRNA splicing.

Sema4
Classification: Likely benign for Hereditary cancer-predisposing syndrome. Last evaluated: 2021-02-01. Review status: criteria provided, single submitter. Criteria: Sema4 Curation Guidelines. Collection method: curation. Allele origin: germline.

Color Diagnostics, LLC DBA Color Health
Classification: Likely benign for Hereditary cancer-predisposing syndrome. Last evaluated: 2018-11-27. Review status: criteria provided, single submitter. Criteria: ACMG Guidelines, 2015. Collection method: clinical testing. Allele origin: germline.

Literature cited by the submitters: PubMed 28652578 (cited by Women's Health and Genetics/Laboratory Corporation of America, LabCorp).

NM_000051.4(ATM):c.5005+7T>C

Gene: ATM (ATM serine/threonine kinase; plus strand). Cytogenetic location: 11q22.3.
Variant type: single nucleotide variant.
Coding change: c.5005+7T>C on transcript NM_000051.4 (MANE Select); 7 bases into the intron after coding-DNA position 5005, T replaced by C.
Molecular consequence: intron variant.
Genome position (GRCh38, 1-based): chr11:108,297,389, T>C. VCF-style: chr11-108297389-T-C. GRCh37 (hg19) VCF-style: chr11-108168116-T-C.
Other names: c.5005+7T>C (NM_001351834.2).
Identifiers: ClinVar variation 756121 (VCV000756121.19), dbSNP rs527286038, ClinGen allele CA6265593.